The following is an entry in ClinVar:

ClinVar aggregate classification (germline): Uncertain significance (1 of 4 stars; one submission).

Conditions:
Ataxia-telangiectasia syndrome (AT). Also called: Ataxia-telangiectasia, complementation group D; AT, COMPLEMENTATION GROUP C; ATAXIA-TELANGIECTASIA, COMPLEMENTATION GROUP A; ATAXIA-TELANGIECTASIA, FRESNO VARIANT; Ataxia-telangiectasia; Ataxia telangiectasia (A-T). Identifiers: Orphanet 100, MedGen C0004135, MONDO:0008840, OMIM 208900.

Submission:

Labcorp Genetics (formerly Invitae), Labcorp
Classification: Uncertain significance for Ataxia-telangiectasia syndrome. Last evaluated: 2024-07-17. Review status: criteria provided, single submitter. Criteria: Invitae Variant Classification Sherloc (09022015). Collection method: clinical testing. Allele origin: germline.
Comment: This sequence change replaces arginine, which is basic and polar, with isoleucine, which is neutral and non-polar, at codon 2032 of the ATM protein (p.Arg2032Ile). This variant also falls at the last nucleotide of exon 41, which is part of the consensus splice site for this exon. This variant is not present in population databases (gnomAD no frequency). This variant has not been reported in the literature in individuals affected with ATM-related conditions. ClinVar contains an entry for this variant (Variation ID: 951342). An algorithm developed to predict the effect of missense changes on protein structure and function (PolyPhen-2) suggests that this variant is likely to be disruptive. Variants that disrupt the consensus splice site are a relatively common cause of aberrant splicing (PMID: 17576681, 9536098). Algorithms developed to predict the effect of sequence changes on RNA splicing suggest that this variant may disrupt the consensus splice site. This variant disrupts the c.6095G nucleotide in the ATM gene. Other variant(s) that disrupt this nucleotide have been determined to be pathogenic (PMID: 9887333, 22585167, 26506520, 27159176). This suggests that this nucleotide is clinically significant, and that variants that disrupt this position are likely to be disease-causing. In summary, the available evidence is currently insufficient to determine the role of this variant in disease. Therefore, it has been classified as a Variant of Uncertain Significance.

Literature cited by the submitters: PubMed 17576681; PubMed 9536098; PubMed 9887333; PubMed 22585167; PubMed 26506520; PubMed 27159176.

NM_000051.4(ATM):c.6095G>T (p.Arg2032Ile)

Genes: ATM (ATM serine/threonine kinase; plus strand), C11orf65 (chromosome 11 open reading frame 65; minus strand). Cytogenetic location: 11q22.3.
Variant type: single nucleotide variant.
Coding change: c.6095G>T on transcript NM_000051.4 (MANE Select); coding-DNA position 6095, G replaced by T.
Protein change: p.Arg2032Ile; replaces arginine 2032 with isoleucine.
Molecular consequence: missense variant. On other transcripts: intron variant (2).
Genome position (GRCh38, 1-based): chr11:108,315,911, G>T. VCF-style: chr11-108315911-G-T. GRCh37 (hg19) VCF-style: chr11-108186638-G-T.
Other names: c.6095G>T, p.Arg2032Ile (NM_001351834.2); c.641-6840C>A (NM_001330368.2); c.*39-6840C>A (NM_001351110.2); short protein forms R2032I.
Identifiers: ClinVar variation 951342 (VCV000951342.10), dbSNP rs139770721, ClinGen allele CA382550221.
Genomic context (GRCh38, chr11:108,315,911, plus strand): 5'-TAGGGGAGCCAGATAGTTTGTATGGCTGTGGTGGAGGGAAGATGTTACAACCCATTACTA[G>T]GTAAATTGCATTTTTCTAAACAACGGTATAGTAATTCTGTTTATGAAGGAGTTATGTGTG-3'
Protein context (NP_000042.3, residues 2022-2042): GGGKMLQPIT[Arg2032Ile]LRTYEHEAMW